The following is an entry in ClinVar:

NM_018979.4(WNK1):c.2374-10A>C

Gene: WNK1 (WNK lysine deficient protein kinase 1; plus strand). Cytogenetic location: 12p13.33.
Variant type: single nucleotide variant.
Coding change: c.2374-10A>C on transcript NM_018979.4 (MANE Select); 10 bases into the intron before coding-DNA position 2374, A replaced by C.
Molecular consequence: intron variant.
Genome position (GRCh38, 1-based): chr12:879,563, A>C. VCF-style: chr12-879563-A-C. GRCh37 (hg19) VCF-style: chr12-988729-A-C.
Other names: c.3867+1202A>C (NM_213655.5); c.3613-1158A>C (NM_001184985.2); c.2370+1202A>C (NM_014823.3).
Identifiers: ClinVar variation 3349698 (VCV003349698.1).

ClinVar aggregate classification (germline): Likely benign (0 of 4 stars; one submission).

Conditions:
WNK1-related disorder. Also called: WNK1-related condition.

Submission:

PreventionGenetics, part of Exact Sciences
Classification: Likely benign for WNK1-related condition. Last evaluated: 2024-03-27. Review status: no assertion criteria provided. Collection method: clinical testing. Allele origin: germline.
Comment: This variant is classified as likely benign based on ACMG/AMP sequence variant interpretation guidelines (Richards et al. 2015 PMID: 25741868, with internal and published modifications).